The following is an entry in ClinVar:

NM_001195248.2(APTX):c.484-3T>A

Gene: APTX (aprataxin; minus strand). Cytogenetic location: 9p21.1.
Variant type: single nucleotide variant.
Coding change: c.484-3T>A on transcript NM_001195248.2 (MANE Select); 3 bases into the intron before coding-DNA position 484, T replaced by A.
Molecular consequence: intron variant.
Genome position (GRCh38, 1-based): chr9:32,986,033, A>T on the plus strand (T>A on the coding strand, the complement: APTX is on the minus strand). VCF-style: chr9-32986033-A-T. GRCh37 (hg19) VCF-style: chr9-32986031-A-T.
Other names: c.322-3T>A (NM_001369001.1, NM_001369000.1, NM_001195250.2 and 1 more transcripts); c.484-3T>A (NM_001368996.1, NM_001368995.1, NM_001368997.1 and 6 more transcripts); c.220-3T>A (NM_001369002.1, NM_001369003.1, NM_001369004.1 and 5 more transcripts); c.268-3T>A (NM_001195252.2).
Identifiers: ClinVar variation 1417971 (VCV001417971.7), dbSNP rs766722564, ClinGen allele CA5022405.

ClinVar aggregate classification (germline): Conflicting classifications of pathogenicity. Review status: criteria provided, conflicting classifications (1 of 4 stars). 2 submissions from 2 submitters: Uncertain significance (1); Likely benign (1). Last evaluated 2023-05-26.

Allele frequency attached by ClinVar (database versions not stated): gnomAD 0.00002; gnomAD exomes 0.00003 and 0.00005; ExAC 0.00004.

Submissions (2):

Blueprint Genetics
Classification: Likely benign. Last evaluated: 2023-05-26. Review status: criteria provided, single submitter. Criteria: ACMG Guidelines, 2015. Collection method: clinical testing. Allele origin: germline.

Labcorp Genetics (formerly Invitae), Labcorp
Classification: Uncertain significance. Last evaluated: 2021-10-26. Review status: criteria provided, single submitter. Criteria: Invitae Variant Classification Sherloc (09022015). Collection method: clinical testing. Allele origin: germline.
Comment: The frequency data for this variant in the population databases is considered unreliable, as metrics indicate poor data quality at this position in the gnomAD database. This sequence change falls in intron 5 of the APTX gene. It does not directly change the encoded amino acid sequence of the APTX protein. It affects a nucleotide within the consensus splice site. This variant has not been reported in the literature in individuals affected with APTX-related conditions. In summary, the available evidence is currently insufficient to determine the role of this variant in disease. Therefore, it has been classified as a Variant of Uncertain Significance. Variants that disrupt the consensus splice site are a relatively common cause of aberrant splicing (PMID: 17576681, 9536098). Algorithms developed to predict the effect of sequence changes on RNA splicing suggest that this variant is not likely to affect RNA splicing.

Literature cited by the submitters: PubMed 17576681 (cited by Labcorp Genetics (formerly Invitae), Labcorp); PubMed 9536098 (cited by Labcorp Genetics (formerly Invitae), Labcorp).